The following is an entry in ClinVar:

ClinVar aggregate classification (germline): Likely pathogenic. Review status: criteria provided, multiple submitters, no conflicts (2 of 4 stars). 2 submissions from 2 submitters: Likely pathogenic (2). Last evaluated 2024-10-09.

Conditions:
Dyskeratosis congenita, X-linked (DKCX). Also called: Zinsser-Cole-Engman Syndrome. Identifiers: MedGen C1148551, MONDO:0010584, OMIM 305000.

Submissions (2):

Victorian Clinical Genetics Services, Murdoch Childrens Research Institute
Classification: Likely pathogenic for Dyskeratosis congenita, X-linked. Last evaluated: 2024-10-09. Review status: criteria provided, single submitter. Criteria: ACMG Guidelines, 2015. Collection method: clinical testing. Allele origin: germline. Inheritance: X-linked recessive inheritance. Affected: yes.
Comment: Based on the classification scheme VCGS_Germline_v1.3.4, this variant is classified as Likely Pathogenic. Following criteria are met: 0102 - Loss of function is a known mechanism of disease in this gene and is associated with X-linked dyskeratosis congenita (MIM#305000). (I) 0109 - This gene is associated with X-linked recessive disease. (I) 0115 - Variants in this gene are known to have variable expressivity. Hoyeraal-Hreidarsson syndrome is described as the clinically severe form of dyskeratosis congenita (PMID:25940403). In addition, it has been found that severity of dyskeratosis congenita correlates with telomere length (PMID:16332973). (I) 0200 - Variant is predicted to result in a missense amino acid change from isoleucine to methionine. (I) 0253 - This variant is hemizygous. (I) 0301 - Variant is absent from gnomAD (both v2 and v3). (SP) 0502 - Missense variant with conflicting in silico predictions and uninformative conservation. (I) 0602 - Variant is located in a hotspot region or cluster of pathogenic variants. This variant is in a region enriched with pathogenic variants associated with Hoyeraal-Hreidarsson syndrome and dyskeratosis congenita (PMID:35929966). (SP) 0704 - Another missense variant comparable to the one identified in this case has limited previous evidence for pathogenicity. p.(Ile38Thr) was identified in an individual with a clinical diagnosis of Hoyeraal-Hreidarsson syndrome (PMID:12437656). (SP) 0803 - This variant has limited previous evidence of pathogenicity in unrelated individuals. This variant has been identified in a heterozygous state in an individual without phenotypic information and classified likely pathogenic (ClinVar). (SP) 1007 - No published functional evidence has been identified for this variant. (I) 1102 - Strong phenotype match for this individual. (SP) 1208 - Inheritance information for this variant is not currently available in this individual. (I) Legend: (SP) - Supporting pathogenic, (I) - Information, (SB) - Supporting benign

Diagnostics Services (NGS), CSIR - Centre For Cellular And Molecular Biology
Classification: Likely pathogenic for Dyskeratosis congenita, X-linked. Last evaluated: 2023-11-03. Review status: criteria provided, single submitter. Criteria: ACMG Guidelines, 2015. Collection method: clinical testing. Allele origin: germline. Observed: 1 variant allele, 1 heterozygote.
Comment: The c.114C>G variant is not present in publicly available population databases like 1000 Genomes, EVS, ExAC, gnomAD, Indian Exome Database or our in-house exome database. This variant has been reported in the literature in individuals affected with DKC1-related conditions [PMID: 21931702] and reported to the Human Genome Mutation Database (HGMD ID- CM117596). In-silico pathogenicity prediction programs like SIFT, PolyPhen-2, MutationTaster2, CADD, Varsome, Franklin etc predicted this variant to be likely deleterious however these predictions were not confirmed by published functional studies. This variant is located in a mutational hotspot region of the gene and a different amino acid change in the same codon (c.113T>C, p.Ile38Thr) has been previously observed individuals affected with DKC1-related conditions [PMID: 12437656] and reported to the clinical databases as ‘Pathogenic’.

Literature cited by the submitters: PubMed 12437656 (cited by Victorian Clinical Genetics Services, Murdoch Childrens Research Institute); PubMed 16332973 (cited by Victorian Clinical Genetics Services, Murdoch Childrens Research Institute); PubMed 25940403 (cited by Victorian Clinical Genetics Services, Murdoch Childrens Research Institute); PubMed 35929966 (cited by Victorian Clinical Genetics Services, Murdoch Childrens Research Institute); PubMed 21931702 (cited by Diagnostics Services (NGS), CSIR - Centre For Cellular And Molecular Biology).

NM_001363.5(DKC1):c.114C>G (p.Ile38Met)

Gene: DKC1 (dyskerin pseudouridine synthase 1; plus strand). Cytogenetic location: Xq28.
Variant type: single nucleotide variant.
Coding change: c.114C>G on transcript NM_001363.5 (MANE Select); coding-DNA position 114, C replaced by G.
Protein change: p.Ile38Met; replaces isoleucine 38 with methionine.
Molecular consequence: missense variant. On other transcripts: non-coding transcript variant (3).
Genome position (GRCh38, 1-based): chrX:154,765,473, C>G. VCF-style: chrX-154765473-C-G. GRCh37 (hg19) VCF-style: chrX-153993748-C-G.
Other names: c.114C>G, p.Ile38Met (NM_001142463.3, NM_001288747.2); c.114C>G (NM_001363.4); short protein forms I38M.
Identifiers: ClinVar variation 2664154 (VCV002664154.2), dbSNP rs2523679280, ClinGen allele CA414888888.